The following is an entry in ClinVar:

NM_172107.4(KCNQ2):c.1010C>G (p.Ala337Gly)

Gene: KCNQ2 (potassium voltage-gated channel subfamily Q member 2; minus strand). Cytogenetic location: 20q13.33.
Variant type: single nucleotide variant.
Coding change: c.1010C>G on transcript NM_172107.4 (MANE Select); coding-DNA position 1010, C replaced by G.
Protein change: p.Ala337Gly; replaces alanine 337 with glycine.
Molecular consequence: missense variant.
Genome position (GRCh38, 1-based): chr20:63,438,638, G>C on the plus strand (C>G on the coding strand, the complement: KCNQ2 is on the minus strand). VCF-style: chr20-63438638-G-C. GRCh37 (hg19) VCF-style: chr20-62069991-G-C.
Other names: p.A337G:GCA>GGA; c.1010C>G, p.Ala337Gly (NM_004518.6, NM_172106.3, NM_172108.5 and 1 more transcripts); short protein forms A337G.
Identifiers: ClinVar variation 205894 (VCV000205894.3), dbSNP rs796052643, ClinGen allele CA315422.

ClinVar aggregate classification (germline): Pathogenic. Review status: criteria provided, single submitter (1 of 4 stars). 2 submissions from 2 submitters: Pathogenic (1). 1 of the submissions does not count toward it. Last evaluated 2014-02-06.

Conditions:
Developmental and epileptic encephalopathy, 7 (DEE7). Also called: KCNQ2-Related Neonatal-Onset Developmental and Epileptic Encephalopathy (NEO-DEE); Early infantile epileptic encephalopathy 7; KCNQ2-Related Neonatal Epileptic Encephalopathy. Identifiers: Orphanet 439218, MedGen C3150986, MONDO:0013387, OMIM 613720.

Submissions (2):

GeneDx
Classification: Pathogenic. Last evaluated: 2014-02-06. Review status: criteria provided, single submitter. Criteria: GeneDx Variant Classification (06012015). Collection method: clinical testing. Allele origin: germline. Affected: yes.
Comment: p.Ala337Gly (GCA>GGA): c.1010 C>G in exon 7 of the KCNQ2 gene (NM_172107.2)The Ala337Gly mutation was previously reported as a mutation in a patient with Ohtahara syndrome (Saitsu et al., 2012). The NHLBI ESP Exome Variant Project has not identified Ala337Gly in approximately 6,500 individuals of European or African American ethnicity, indicating that it is not a common benign variant in these populations. Therefore, Ala337Gly is considered a disease-causing mutation, and its presence is consistent with a diagnosis of a KCNQ2-related disorder. The variant is found in INFANT-EPI panel(s).

GeneReviews
No classification provided. Condition: Developmental and epileptic encephalopathy, 7. Review status: no classification provided. Collection method: literature only. Allele origin: germline. Affected: yes. Not counted in ClinVar's aggregate classification.
Comment: EE (epileptic encephalopathy)

Literature cited by the submitters: PubMed 22926866 (cited by GeneReviews); NCBI Bookshelf NBK32534 (cited by GeneReviews).